The following is an entry in ClinVar:

NM_004612.4(TGFBR1):c.588T>G (p.Leu196=)

Gene: TGFBR1 (transforming growth factor beta receptor 1; plus strand). Cytogenetic location: 9q22.33.
Variant type: single nucleotide variant.
Coding change: c.588T>G on transcript NM_004612.4 (MANE Select); coding-DNA position 588, T replaced by G.
Protein change: p.Leu196=; no amino-acid change (leucine 196 retained).
Molecular consequence: synonymous variant. On other transcripts: non-coding transcript variant (4), intron variant (2).
Genome position (GRCh38, 1-based): chr9:99,137,872, T>G. VCF-style: chr9-99137872-T-G. GRCh37 (hg19) VCF-style: chr9-101900154-T-G.
Other names: c.357T>G, p.Leu119= (NM_001130916.3); c.600T>G, p.Leu200= (NM_001306210.2, NM_001407416.1); c.588T>G, p.Leu196= (NM_001407417.1); c.393T>G, p.Leu131= (NM_001407418.1, NM_001407419.1, NM_001407420.1 and 1 more transcripts); c.381T>G, p.Leu127= (NM_001407423.1, NM_001407424.1, NM_001407425.1 and 8 more transcripts); c.342T>G, p.Leu114= (NM_001407436.1); c.111T>G, p.Leu37= (NM_001407438.1); c.575-4664T>G (NM_001407435.1); and 1 more.
Identifiers: ClinVar variation 2843095 (VCV002843095.4), dbSNP rs2490185605, ClinGen allele CA466434126.

ClinVar aggregate classification (germline): Likely benign. Review status: criteria provided, multiple submitters, no conflicts (2 of 4 stars). 2 submissions from 2 submitters: Likely benign (2). Last evaluated 2024-05-14.

Conditions:
Familial thoracic aortic aneurysm and aortic dissection (TAAD). Also called: Thoracic aortic aneurysms and dissections. Identifiers: Orphanet 91387, MedGen C4707243, MONDO:0019625.
Loeys-Dietz syndrome (LDS). Identifiers: Orphanet 60030, MedGen C2697932, MONDO:0018954.

Submissions (2):

All of Us Research Program, National Institutes of Health
Classification: Likely benign for Loeys-Dietz syndrome. Last evaluated: 2024-05-14. Review status: criteria provided, single submitter. Criteria: ACMG Guidelines, 2015. Collection method: clinical testing. Allele origin: germline. Inheritance: Autosomal dominant inheritance. Observed: 1 variant allele, 1 heterozygote.
Comment: This study involves interpretation of variants in research participants for the purpose of population health screening. Participant phenotype was not available at the time of variant classification. Additional details can be found in publication PMID: 35346344, PMCID: PMC8962531

Labcorp Genetics (formerly Invitae), Labcorp
Classification: Likely benign for Familial thoracic aortic aneurysm and aortic dissection. Last evaluated: 2023-03-14. Review status: criteria provided, single submitter. Criteria: Invitae Variant Classification Sherloc (09022015). Collection method: clinical testing. Allele origin: germline.